The following is an entry in ClinVar:

ClinVar aggregate classification (germline): Conflicting classifications of pathogenicity. Review status: criteria provided, conflicting classifications (1 of 4 stars). 7 submissions from 7 submitters: Uncertain significance (1); Likely benign (5). 1 of the submissions does not count toward it. Last evaluated 2026-01-25.

Conditions:
TSC1-related disorder. Also called: TSC1-related condition.
Hereditary cancer-predisposing syndrome. Also called: Hereditary neoplastic syndrome; Neoplastic Syndromes, Hereditary; Hereditary Cancer Syndrome; Tumor predisposition. Identifiers: Orphanet 140162, MedGen C0027672, MeSH D009386, MONDO:0015356.
Tuberous sclerosis 1 (TSC1). Identifiers: Orphanet 805, MedGen C1854465, MONDO:0008612, OMIM 191100.

Allele frequency attached by ClinVar (database versions not stated): gnomAD exomes below 0.00001 and 0.00001; ExAC 0.00001; TOPMed 0.00001.
gnomAD v4.1: 11 of 1,613,782 alleles (0.00068%); highest among the groups gnomAD compares: Admixed American, 0.0017%; no homozygotes.

Submissions (7):

Labcorp Genetics (formerly Invitae), Labcorp
Classification: Likely benign for Tuberous sclerosis 1. Last evaluated: 2026-01-25. Review status: criteria provided, single submitter. Criteria: Invitae Variant Classification Sherloc (09022015). Collection method: clinical testing. Allele origin: germline.

Blueprint Genetics
Classification: Likely benign. Last evaluated: 2024-06-24. Review status: criteria provided, single submitter. Criteria: ACMG Guidelines, 2015. Collection method: clinical testing. Allele origin: germline.

Ambry Genetics
Classification: Likely benign for Hereditary cancer-predisposing syndrome. Last evaluated: 2023-07-11. Review status: criteria provided, single submitter. Criteria: Ambry Variant Classification Scheme 2023. Collection method: clinical testing. Allele origin: germline.

CeGaT Center for Human Genetics Tuebingen
Classification: Likely benign. Last evaluated: 2022-10-01. Review status: criteria provided, single submitter. Criteria: CeGaT Center For Human Genetics Tuebingen Variant Classification Criteria Version 2. Collection method: clinical testing. Allele origin: germline. Affected: yes. Observed: 1 variant allele.
Comment: TSC1: BP4

Genome-Nilou Lab
Classification: Likely benign for Tuberous sclerosis 1. Last evaluated: 2021-11-07. Review status: criteria provided, single submitter. Criteria: ACMG Guidelines, 2015. Collection method: clinical testing. Allele origin: germline. Affected: no.

Institute for Clinical Genetics, University Hospital TU Dresden, University Hospital TU Dresden
Classification: Uncertain significance. Last evaluated: 2021-11-03. Review status: criteria provided, single submitter. Criteria: ACMG Guidelines, 2015. Collection method: clinical testing. Allele origin: germline.

PreventionGenetics, part of Exact Sciences
Classification: Uncertain significance for TSC1-related condition. Last evaluated: 2024-01-10. Review status: no assertion criteria provided. Collection method: clinical testing. Allele origin: germline. Not counted in ClinVar's aggregate classification.
Comment: The TSC1 c.3107G>A variant is predicted to result in the amino acid substitution p.Gly1036Glu. To our knowledge, this variant has not been reported in the literature. This variant is reported in 0.0029% of alleles in individuals of Latino descent in gnomAD. At this time, the clinical significance of this variant is uncertain due to the absence of conclusive functional and genetic evidence.

NM_000368.5(TSC1):c.3107G>A (p.Gly1036Glu)

Gene: TSC1 (TSC complex subunit 1; minus strand). Cytogenetic location: 9q34.13.
Variant type: single nucleotide variant.
Coding change: c.3107G>A on transcript NM_000368.5 (MANE Select); coding-DNA position 3107, G replaced by A.
Protein change: p.Gly1036Glu; replaces glycine 1036 with glutamic acid.
Molecular consequence: missense variant.
Genome position (GRCh38, 1-based): chr9:132,896,623, C>T on the plus strand (G>A on the coding strand, the complement: TSC1 is on the minus strand). VCF-style: chr9-132896623-C-T. GRCh37 (hg19) VCF-style: chr9-135772010-C-T.
Other names: c.3104G>A, p.Gly1035Glu (NM_001162426.2); c.2954G>A, p.Gly985Glu (NM_001162427.2); c.2744G>A, p.Gly915Glu (NM_001362177.2); short protein forms G1036E, G1035E, G985E, G915E.
Identifiers: ClinVar variation 486561 (VCV000486561.48), dbSNP rs774196458, ClinGen allele CA035815.